The following is an entry in ClinVar:

NM_000260.4(MYO7A):c.4466T>C (p.Val1489Ala)

Gene: MYO7A (myosin VIIA; plus strand). Cytogenetic location: 11q13.5.
Variant type: single nucleotide variant.
Coding change: c.4466T>C on transcript NM_000260.4 (MANE Select); coding-DNA position 4466, T replaced by C.
Protein change: p.Val1489Ala; replaces valine 1489 with alanine.
Molecular consequence: missense variant.
Genome position (GRCh38, 1-based): chr11:77,198,519, T>C. VCF-style: chr11-77198519-T-C. GRCh37 (hg19) VCF-style: chr11-76909564-T-C.
Other names: c.4466T>C, p.Val1489Ala (NM_001127180.2); c.4433T>C, p.Val1478Ala (NM_001369365.1); short protein forms V1478A, V1489A.
Identifiers: ClinVar variation 1476844 (VCV001476844.8), dbSNP rs373090032, ClinGen allele CA6198457.
Genomic context (GRCh38, chr11:77,198,519, plus strand): 5'-GGAGGCCTGCCTCTCAGTGCCTTGGTCTCGTCCCAGGCCCCAGTCTCCCCAAGAACGACG[T>C]CATCGTGGCCGTCAACTGGACGGGTGTGTACTTTGTGGATGAGCAGGAGCAGGTACTTCT-3'
Protein context (NP_000251.3, residues 1479-1499): FSGPSLPKND[Val1489Ala]IVAVNWTGVY

ClinVar aggregate classification (germline): Uncertain significance (1 of 4 stars; one submission).

Allele frequency attached by ClinVar (database versions not stated): gnomAD exomes below 0.00001; ExAC 0.00001; ESP Exome Variant Server 0.00008.
gnomAD v4.1: 1 of 1,613,838 alleles (0.000062%); highest among the groups gnomAD compares: Non-Finnish European, 0.000085%; no homozygotes.

Submission:

Labcorp Genetics (formerly Invitae), Labcorp
Classification: Uncertain significance. Last evaluated: 2023-05-15. Review status: criteria provided, single submitter. Criteria: Invitae Variant Classification Sherloc (09022015). Collection method: clinical testing. Allele origin: germline.
Comment: In summary, the available evidence is currently insufficient to determine the role of this variant in disease. Therefore, it has been classified as a Variant of Uncertain Significance. Advanced modeling of protein sequence and biophysical properties (such as structural, functional, and spatial information, amino acid conservation, physicochemical variation, residue mobility, and thermodynamic stability) has been performed at Invitae for this missense variant, however the output from this modeling did not meet the statistical confidence thresholds required to predict the impact of this variant on MYO7A protein function. ClinVar contains an entry for this variant (Variation ID: 1476844). This variant has not been reported in the literature in individuals affected with MYO7A-related conditions. This variant is present in population databases (rs373090032, gnomAD 0.0009%). This sequence change replaces valine, which is neutral and non-polar, with alanine, which is neutral and non-polar, at codon 1489 of the MYO7A protein (p.Val1489Ala).